The following is an entry in ClinVar:

NM_019842.4(KCNQ5):c.477C>T (p.Cys159=)

Gene: KCNQ5 (potassium voltage-gated channel subfamily Q member 5; plus strand). Cytogenetic location: 6q13.
Variant type: single nucleotide variant.
Coding change: c.477C>T on transcript NM_019842.4 (MANE Select); coding-DNA position 477, C replaced by T.
Protein change: p.Cys159=; no amino-acid change (cysteine 159 retained).
Molecular consequence: synonymous variant.
Genome position (GRCh38, 1-based): chr6:73,003,986, C>T. VCF-style: chr6-73003986-C-T. GRCh37 (hg19) VCF-style: chr6-73713709-C-T.
Other names: c.477C>T (NM_001160133.1); c.477C>T, p.Cys159= (NM_001160130.2, NM_001160132.2, NM_001160133.2 and 1 more transcripts).
Identifiers: ClinVar variation 2714486 (VCV002714486.5), dbSNP rs1248428433, ClinGen allele CA450957982.

ClinVar aggregate classification (germline): Likely benign. Review status: criteria provided, single submitter (1 of 4 stars). 2 submissions from 2 submitters: Likely benign (1). 1 of the submissions does not count toward it. Last evaluated 2024-12-17.

Conditions:
KCNQ5-related disorder. Also called: KCNQ5-related condition.

Allele frequency attached by ClinVar (database versions not stated): gnomAD 0.00001; gnomAD exomes 0.00001; TOPMed 0.00002.
gnomAD v4.1: 8 of 1,597,660 alleles (0.0005%); highest among the groups gnomAD compares: Admixed American, 0.0067%; no homozygotes.

Submissions (2):

Labcorp Genetics (formerly Invitae), Labcorp
Classification: Likely benign. Last evaluated: 2024-12-17. Review status: criteria provided, single submitter. Criteria: Invitae Variant Classification Sherloc (09022015). Collection method: clinical testing. Allele origin: germline.

PreventionGenetics, part of Exact Sciences
Classification: Likely benign for KCNQ5-related condition. Last evaluated: 2020-05-19. Review status: no assertion criteria provided. Collection method: clinical testing. Allele origin: germline. Not counted in ClinVar's aggregate classification.
Comment: This variant is classified as likely benign based on ACMG/AMP sequence variant interpretation guidelines (Richards et al. 2015 PMID: 25741868, with internal and published modifications).